The following is an entry in ClinVar:

NM_001371986.1(UNC80):c.5379T>A (p.His1793Gln)

Gene: UNC80 (unc-80 subunit of NALCN channel complex; plus strand). Cytogenetic location: 2q34.
Variant type: single nucleotide variant.
Coding change: c.5379T>A on transcript NM_001371986.1 (MANE Select); coding-DNA position 5379, T replaced by A.
Protein change: p.His1793Gln; replaces histidine 1793 with glutamine.
Molecular consequence: missense variant.
Genome position (GRCh38, 1-based): chr2:209,921,535, T>A. VCF-style: chr2-209921535-T-A. GRCh37 (hg19) VCF-style: chr2-210786259-T-A.
Other names: c.5181T>A, p.His1727Gln (NM_032504.2); c.5166T>A, p.His1722Gln (NM_182587.4); short protein forms H1793Q, H1722Q, H1727Q.
Identifiers: ClinVar variation 1365828 (VCV001365828.8), dbSNP rs2124953036, ClinGen allele CA350761984.

ClinVar aggregate classification (germline): Uncertain significance (1 of 4 stars; one submission).

Submission:

Labcorp Genetics (formerly Invitae), Labcorp
Classification: Uncertain significance. Last evaluated: 2022-03-03. Review status: criteria provided, single submitter. Criteria: Invitae Variant Classification Sherloc (09022015). Collection method: clinical testing. Allele origin: germline.
Comment: In summary, the available evidence is currently insufficient to determine the role of this variant in disease. Therefore, it has been classified as a Variant of Uncertain Significance. Algorithms developed to predict the effect of missense changes on protein structure and function are either unavailable or do not agree on the potential impact of this missense change (SIFT: "Not Available"; PolyPhen-2: "Probably Damaging"; Align-GVGD: "Not Available"). This variant has not been reported in the literature in individuals affected with UNC80-related conditions. This variant is not present in population databases (gnomAD no frequency). This sequence change replaces histidine with glutamine at codon 1727 of the UNC80 protein (p.His1727Gln). The histidine residue is moderately conserved and there is a small physicochemical difference between histidine and glutamine.